The following is an entry in ClinVar:

NM_000180.4(GUCY2D):c.2549_2550del (p.Asp850fs)

Gene: GUCY2D (guanylate cyclase 2D, retinal; plus strand). Cytogenetic location: 17p13.1.
Variant type: Deletion.
Coding change: c.2549_2550del on transcript NM_000180.4 (MANE Select); coding-DNA positions 2549 to 2550, 2 bases deleted (AC; older notation c.2549_2550delAC).
Protein change: p.Asp850fs; shifts the reading frame from aspartic acid 850.
Molecular consequence: frameshift variant.
Genome position (GRCh38, 1-based): chr17:8,014,737-8,014,738, AC deleted. VCF-style (leftmost placement, unchanged base first): chr17-8014736-GAC-G. GRCh37 (hg19) VCF-style: chr17-7918054-GAC-G.
Other names: short protein forms D850fs.
Identifiers: ClinVar variation 3748952 (VCV003748952.2).
Genomic context (GRCh38, chr17:8,014,736, plus strand): 5'-AACCTGGAGGATCTGATCCGGGAGCGCACGGAGGAGCTGGAGCTGGAAAAGCAGAAGACA[GAC>G]CGGCTGCTTACACAGATGCTGCCTCCGTGGGTGCCAGTGGGAAGGGGTGGGCTGGGAGGG-3'

ClinVar aggregate classification (germline): Pathogenic (1 of 4 stars; one submission).

Conditions:
Cone-rod dystrophy 6 (CORD6). Also called: RETINAL CONE DYSTROPHY 2; Cone dystrophy progressive. Identifiers: Orphanet 1872, MedGen C1866293, MONDO:0011143, OMIM 601777.
Leber congenital amaurosis 1 (LCA1). Also called: RETINAL BLINDNESS, CONGENITAL; AMAUROSIS CONGENITA OF LEBER I; Congenital absence of the rods and cones; Leber's congenital tapetoretinal degeneration; Leber's congenital tapetoretinal dysplasia. Identifiers: Orphanet 65, MedGen C2931258, MONDO:0008764, OMIM 204000.

Submission:

Labcorp Genetics (formerly Invitae), Labcorp
Classification: Pathogenic for Leber congenital amaurosis 1; Cone-rod dystrophy 6. Last evaluated: 2024-08-31. Review status: criteria provided, single submitter. Criteria: Invitae Variant Classification Sherloc (09022015). Collection method: clinical testing. Allele origin: germline.
Comment: This sequence change creates a premature translational stop signal (p.Asp850Alafs*13) in the GUCY2D gene. It is expected to result in an absent or disrupted protein product. Loss-of-function variants in GUCY2D are known to be pathogenic (PMID: 10951519, 11328726). This variant is present in population databases (no rsID available, gnomAD 0.0009%). This variant has not been reported in the literature in individuals affected with GUCY2D-related conditions. For these reasons, this variant has been classified as Pathogenic.

Literature cited by the submitters: PubMed 10951519; PubMed 11328726.